The following is an entry in ClinVar:

NM_000169.3(GLA):c.1156C>T (p.Gln386Ter)

Genes: GLA (galactosidase alpha; minus strand), RPL36A-HNRNPH2 (RPL36A-HNRNPH2 readthrough; plus strand). Cytogenetic location: Xq22.1.
Variant type: single nucleotide variant.
Coding change: c.1156C>T on transcript NM_000169.3 (MANE Select); coding-DNA position 1156, C replaced by T.
Protein change: p.Gln386Ter; replaces glutamine 386 with a stop codon.
Molecular consequence: nonsense. On other transcripts: non-coding transcript variant (3), intron variant (2).
Genome position (GRCh38, 1-based): chrX:101,397,943, G>A on the plus strand (C>T on the coding strand, the complement: GLA is on the minus strand). VCF-style: chrX-101397943-G-A. GRCh37 (hg19) VCF-style: chrX-100652931-G-A.
Other names: c.1279C>T, p.Gln427Ter (NM_001406747.1); c.300+2486G>A (NM_001199973.2); c.177+6121G>A (NM_001199974.2); short protein forms Q386*, Q427*.
Identifiers: ClinVar variation 2502039 (VCV002502039.4), dbSNP rs869312233, ClinGen allele CA352605.

ClinVar aggregate classification (germline): Pathogenic/Likely pathogenic. Review status: criteria provided, multiple submitters, no conflicts (2 of 4 stars). 3 submissions from 3 submitters: Pathogenic (2); Likely pathogenic (1). Last evaluated 2026-09-08.

Conditions:
Fabry disease. Also called: Ceramide trihexosidosis; Fabry's disease; ALPHA-GALACTOSIDASE A DEFICIENCY; ANDERSON-FABRY DISEASE; CERAMIDE TRIHEXOSIDASE DEFICIENCY; GLA DEFICIENCY. Identifiers: Orphanet 324, MedGen C0002986, MONDO:0010526, OMIM 301500, HP:0001071. Disease mechanism: Fabry disease is due to inactivating mutations in the X-linked GLA gene resulting in deficiency of the enzyme Alpha Galactosidase-A., loss of function.

Submissions (3):

Genomenon, Inc
Classification: Pathogenic for Fabry disease. Last evaluated: 2026-09-08. Review status: criteria provided, single submitter. Criteria: Genomenon Sequence Variant Interpretation Standards - Updated. Collection method: curation. Allele origin: germline. Affected: yes.
Comment: GLA p.Gln386Ter (c.1156C>T) is a nonsense variant that introduces a premature stop codon at amino acid position 386 and is predicted to result in a truncated or absent protein product. This variant has been observed in at least one proband with clinical features consistent with Fabry disease (PMID:31770509;20022777;9100224;30029973;33204599;17206462;38002959;15458455). The variant was found to segregate with disease in at least one affected family (PMID:17206462;38002959). Functional or patient cell studies have been reported (PMID:18424138;31613176;30029973;33204599;15458455;31770509). It is absent or not present at a significant frequency in gnomAD. In conclusion, we classify GLA p.Gln386Ter (c.1156C>T) as a pathogenic variant.

Genetics Laboratory, Great Ormond Street Hospital NHS Foundation Trust, North Thames Genomic Laboratory Hub
Classification: Pathogenic for Fabry disease. Last evaluated: 2026-07-13. Review status: criteria provided, single submitter. Criteria: ACGS Best Practice Guidelines for Variant Classification in Rare Disease 2024 v1.2. Collection method: clinical testing. Allele origin: germline. Affected: yes.
Comment: PS4_moderate, PM2_moderate, PVS1_strong, PP4_strong

GeneDx
Classification: Likely pathogenic. Last evaluated: 2022-11-11. Review status: criteria provided, single submitter. Criteria: GeneDx Variant Classification Process June 2021. Collection method: clinical testing. Allele origin: germline. Affected: yes.
Comment: Reported in patients with classic Fabry disease (Eng et al., 1997; Nampoothiri et al., 2020; Moiseev et al., 2022); Nonsense variant predicted to result in protein truncation, as the last 44 amino acids are lost, and other loss-of-function variants have been reported downstream in HGMD; Not observed at significant frequency in large population cohorts (gnomAD); This variant is associated with the following publications: (PMID: 36140787, 33204599, 9100224)

Literature cited by the submitters: PubMed 31770509 (cited by Genomenon, Inc); PubMed 20022777 (cited by Genomenon, Inc); PubMed 9100224 (cited by Genomenon, Inc); PubMed 30029973 (cited by Genomenon, Inc); PubMed 33204599 (cited by Genomenon, Inc); PubMed 17206462 (cited by Genomenon, Inc); PubMed 38002959 (cited by Genomenon, Inc); PubMed 15458455 (cited by Genomenon, Inc); PubMed 18424138 (cited by Genomenon, Inc); PubMed 31613176 (cited by Genomenon, Inc).